The following is an entry in ClinVar:

ClinVar aggregate classification (germline): Uncertain significance (1 of 4 stars; one submission).

Submission:

Labcorp Genetics (formerly Invitae), Labcorp
Classification: Uncertain significance. Last evaluated: 2022-07-02. Review status: criteria provided, single submitter. Criteria: Invitae Variant Classification Sherloc (09022015). Collection method: clinical testing. Allele origin: germline.
Comment: In summary, the available evidence is currently insufficient to determine the role of this variant in disease. Therefore, it has been classified as a Variant of Uncertain Significance. Algorithms developed to predict the effect of sequence changes on RNA splicing suggest that this variant may create or strengthen a splice site. Advanced modeling of protein sequence and biophysical properties (such as structural, functional, and spatial information, amino acid conservation, physicochemical variation, residue mobility, and thermodynamic stability) performed at Invitae indicates that this missense variant is expected to disrupt MAST1 protein function. This variant has not been reported in the literature in individuals affected with MAST1-related conditions. This variant is not present in population databases (gnomAD no frequency). This sequence change replaces asparagine, which is neutral and polar, with lysine, which is basic and polar, at codon 382 of the MAST1 protein (p.Asn382Lys).

NM_014975.3(MAST1):c.1146C>A (p.Asn382Lys)

Gene: MAST1 (microtubule associated serine/threonine kinase 1; plus strand). Cytogenetic location: 19p13.13.
Variant type: single nucleotide variant.
Coding change: c.1146C>A on transcript NM_014975.3 (MANE Select); coding-DNA position 1146, C replaced by A.
Protein change: p.Asn382Lys; replaces asparagine 382 with lysine.
Molecular consequence: missense variant.
Genome position (GRCh38, 1-based): chr19:12,858,430, C>A. VCF-style: chr19-12858430-C-A. GRCh37 (hg19) VCF-style: chr19-12969244-C-A.
Other names: short protein forms N382K.
Identifiers: ClinVar variation 2013119 (VCV002013119.4), dbSNP rs777303743, ClinGen allele CA404267009.